The following is an entry in ClinVar:

NM_017777.4(MKS1):c.1229A>T (p.Tyr410Phe)

Gene: MKS1 (MKS transition zone complex subunit 1; minus strand). Cytogenetic location: 17q22.
Variant type: single nucleotide variant.
Coding change: c.1229A>T on transcript NM_017777.4 (MANE Select); coding-DNA position 1229, A replaced by T.
Protein change: p.Tyr410Phe; replaces tyrosine 410 with phenylalanine.
Molecular consequence: missense variant.
Genome position (GRCh38, 1-based): chr17:58,207,938, T>A on the plus strand (A>T on the coding strand, the complement: MKS1 is on the minus strand). VCF-style: chr17-58207938-T-A. GRCh37 (hg19) VCF-style: chr17-56285299-T-A.
Other names: c.620A>T, p.Tyr207Phe (NM_001321268.2); c.1229A>T, p.Tyr410Phe (NM_001321269.2, NM_001330397.2, NM_001411113.1); short protein forms Y207F, Y410F.
Identifiers: ClinVar variation 1946643 (VCV001946643.7), dbSNP rs774267957, ClinGen allele CA400325460.

ClinVar aggregate classification (germline): Uncertain significance. Review status: criteria provided, multiple submitters, no conflicts (2 of 4 stars). 2 submissions from 2 submitters: Uncertain significance (2). Last evaluated 2025-01-06.

Conditions:
Joubert syndrome. Also called: CEREBELLOPARENCHYMAL DISORDER IV; JOUBERT-BOLTSHAUSER SYNDROME; Familial aplasia of the vermis. Identifiers: Orphanet 475, MedGen C5979921, MONDO:0018772.
Meckel-Gruber syndrome. Also called: DYSENCEPHALIA SPLANCHNOCYSTICA; GRUBER SYNDROME; Dysencephalia splachnocystica. Identifiers: Orphanet 564, MedGen C0265215, MONDO:0018921.

gnomAD v4.1: 35 of 1,614,046 alleles (0.0022%); highest among the groups gnomAD compares: Non-Finnish European, 0.0028%; no homozygotes.

Submissions (2):

Labcorp Genetics (formerly Invitae), Labcorp
Classification: Uncertain significance for Joubert syndrome; Meckel-Gruber syndrome. Last evaluated: 2025-01-06. Review status: criteria provided, single submitter. Criteria: Invitae Variant Classification Sherloc (09022015). Collection method: clinical testing. Allele origin: germline.
Comment: This sequence change replaces tyrosine, which is neutral and polar, with phenylalanine, which is neutral and non-polar, at codon 410 of the MKS1 protein (p.Tyr410Phe). This variant is present in population databases (no rsID available, gnomAD 0.007%). This variant has not been reported in the literature in individuals affected with MKS1-related conditions. ClinVar contains an entry for this variant (Variation ID: 1946643). Invitae Evidence Modeling of protein sequence and biophysical properties (such as structural, functional, and spatial information, amino acid conservation, physicochemical variation, residue mobility, and thermodynamic stability) indicates that this missense variant is not expected to disrupt MKS1 protein function with a negative predictive value of 80%. In summary, the available evidence is currently insufficient to determine the role of this variant in disease. Therefore, it has been classified as a Variant of Uncertain Significance.

Revvity Omics, Revvity
Classification: Uncertain significance. Last evaluated: 2019-04-22. Review status: criteria provided, single submitter. Criteria: ACMG Guidelines, 2015. Collection method: clinical testing. Allele origin: germline.